The following is an entry in ClinVar:

ClinVar aggregate classification (germline): Uncertain significance. Review status: criteria provided, single submitter (1 of 4 stars). 2 submissions from 2 submitters: Uncertain significance (1). 1 of the submissions does not count toward it.

Conditions:
Intellectual developmental disorder, autosomal dominant 52. Also called: Mental retardation, autosomal dominant 52; Intellectual disability, autosomal dominant 52. Identifiers: MedGen C4540478, MONDO:0030918, OMIM 617796.

Allele frequency attached by ClinVar (database versions not stated): TOPMed 0.00002; gnomAD 0.00003 and 0.00002; gnomAD exomes 0.00006 and 0.00001; ExAC 0.00007.
gnomAD v4.1: 23 of 1,614,066 alleles (0.0014%); highest among the groups gnomAD compares: East Asian, 0.049%; no homozygotes.

Submissions (2):

Juno Genomics, Hangzhou Juno Genomics, Inc
Classification: Uncertain significance for Intellectual developmental disorder, autosomal dominant 52. Review status: criteria provided, single submitter. Criteria: ACMG Guidelines, 2015. Collection method: clinical testing. Allele origin: germline.
Comment: Absent from controls (or at extremely low frequency if recessive) in Genome Aggregation Database.;Missense variant in a gene that has a low rate of benign missense variation.;Assumed de novo, but without confirmation of paternity and maternity.

OMIM
Classification: Pathogenic for INTELLECTUAL DEVELOPMENTAL DISORDER, AUTOSOMAL DOMINANT 52. Last evaluated: 2022-04-28. Review status: no assertion criteria provided. Collection method: literature only. Allele origin: germline. Not counted in ClinVar's aggregate classification.

Literature cited by the submitters: PubMed 27824329 (cited by OMIM).

NM_018489.3(ASH1L):c.6238G>A (p.Val2080Ile)

Gene: ASH1L (ASH1 like histone lysine methyltransferase; minus strand). Cytogenetic location: 1q22.
Variant type: single nucleotide variant.
Coding change: c.6238G>A on transcript NM_018489.3 (MANE Select); coding-DNA position 6238, G replaced by A.
Protein change: p.Val2080Ile; replaces valine 2080 with isoleucine.
Molecular consequence: missense variant.
Genome position (GRCh38, 1-based): chr1:155,378,375, C>T on the plus strand (G>A on the coding strand, the complement: ASH1L is on the minus strand). VCF-style: chr1-155378375-C-T. GRCh37 (hg19) VCF-style: chr1-155348166-C-T.
Other names: V2080I; c.6253G>A, p.Val2085Ile (NM_001366177.2); short protein forms V2085I.
Identifiers: ClinVar variation 446512 (VCV000446512.4), dbSNP rs749494995, ClinGen allele CA1146368.